The following is an entry in ClinVar:

NM_001080453.3(INTS1):c.2984C>T (p.Ser995Leu)

Gene: INTS1 (integrator complex subunit 1; minus strand). Cytogenetic location: 7p22.3.
Variant type: single nucleotide variant.
Coding change: c.2984C>T on transcript NM_001080453.3 (MANE Select); coding-DNA position 2984, C replaced by T.
Protein change: p.Ser995Leu; replaces serine 995 with leucine.
Molecular consequence: missense variant.
Genome position (GRCh38, 1-based): chr7:1,485,462, G>A on the plus strand (C>T on the coding strand, the complement: INTS1 is on the minus strand). VCF-style: chr7-1485462-G-A. GRCh37 (hg19) VCF-style: chr7-1525098-G-A.
Other names: short protein forms S995L.
Identifiers: ClinVar variation 3250427 (VCV003250427.1), dbSNP rs552569555.

ClinVar aggregate classification (germline): Uncertain significance (1 of 4 stars; one submission).

Conditions:
Neurodevelopmental disorder with cataracts, poor growth, and dysmorphic facies. Identifiers: MedGen C5231414, MONDO:0032817, OMIM 618571.

Allele frequency attached by ClinVar (database versions not stated): gnomAD 0.00001; TOPMed 0.00001; gnomAD exomes 0.00002; ExAC 0.00004; 1000 Genomes Project 30x 0.00031; 1000 Genomes Project 0.00040.
gnomAD v4.1: 28 of 1,612,128 alleles (0.0017%); highest among the groups gnomAD compares: South Asian, 0.018%; no homozygotes.

Submission:

Neuberg Centre For Genomic Medicine, NCGM
Classification: Uncertain significance for Neurodevelopmental disorder with cataracts, poor growth, and dysmorphic facies. Review status: criteria provided, single submitter. Criteria: ACMG Guidelines, 2015. Collection method: clinical testing. Allele origin: germline. Inheritance: Autosomal recessive inheritance. Affected: yes.
Comment: The observed missense variant c.2984C>T(p.Ser995Leu) in INTS1 gene has not been reported previously as a pathogenic variant nor as a benign variant, to our knowledge. This variant is reported with the allele frequency 0.002% in the gnomAD Exomes. The amino acid Serine at position 995 is changed to a Leucine changing protein sequence and it might alter its composition and physico-chemical properties. The variant is predicted as damaging by SIFT. The residue is conserved by GERP++ and PhyloP across 100 vertebrates. For these reasons, this variant has been classified as Uncertain Significance.